The following is an entry in ClinVar:

ClinVar aggregate classification (germline): Uncertain significance. Review status: criteria provided, multiple submitters, no conflicts (2 of 4 stars). 2 submissions from 2 submitters: Uncertain significance (2). Last evaluated 2025-05-13.

Conditions:
Progressive myoclonic epilepsy type 5. Identifiers: Orphanet 402082, MedGen C5190799.

Allele frequency attached by ClinVar (database versions not stated): gnomAD 0.00002; gnomAD exomes 0.00003 and 0.00004; ExAC 0.00004; TOPMed 0.00005; ESP Exome Variant Server 0.00008.
gnomAD v4.1: 63 of 1,614,016 alleles (0.0039%); highest among the groups gnomAD compares: Non-Finnish European, 0.0053%; no homozygotes.

Submissions (2):

Ambry Genetics
Classification: Uncertain significance. Last evaluated: 2025-05-13. Review status: criteria provided, single submitter. Criteria: Ambry Variant Classification Scheme 2023. Collection method: clinical testing. Allele origin: germline.

Labcorp Genetics (formerly Invitae), Labcorp
Classification: Uncertain significance for Progressive myoclonic epilepsy type 5. Last evaluated: 2024-10-30. Review status: criteria provided, single submitter. Criteria: Invitae Variant Classification Sherloc (09022015). Collection method: clinical testing. Allele origin: germline.
Comment: This sequence change replaces alanine, which is neutral and non-polar, with threonine, which is neutral and polar, at codon 548 of the PRICKLE2 protein (p.Ala548Thr). This variant is present in population databases (rs375557486, gnomAD 0.006%). This variant has not been reported in the literature in individuals affected with PRICKLE2-related conditions. ClinVar contains an entry for this variant (Variation ID: 1013917). Invitae Evidence Modeling of protein sequence and biophysical properties (such as structural, functional, and spatial information, amino acid conservation, physicochemical variation, residue mobility, and thermodynamic stability) indicates that this missense variant is not expected to disrupt PRICKLE2 protein function with a negative predictive value of 80%. In summary, the available evidence is currently insufficient to determine the role of this variant in disease. Therefore, it has been classified as a Variant of Uncertain Significance.

NM_198859.4(PRICKLE2):c.1642G>A (p.Ala548Thr)

Gene: PRICKLE2 (prickle planar cell polarity protein 2; minus strand). Cytogenetic location: 3p14.1.
Variant type: single nucleotide variant.
Coding change: c.1642G>A on transcript NM_198859.4 (MANE Select); coding-DNA position 1642, G replaced by A.
Protein change: p.Ala548Thr; replaces alanine 548 with threonine.
Molecular consequence: missense variant.
Genome position (GRCh38, 1-based): chr3:64,146,848, C>T on the plus strand (G>A on the coding strand, the complement: PRICKLE2 is on the minus strand). VCF-style: chr3-64146848-C-T. GRCh37 (hg19) VCF-style: chr3-64132524-C-T.
Other names: c.1642G>A, p.Ala548Thr (NM_001370528.1); c.1642G>A (NM_198859.3); short protein forms A548T.
Identifiers: ClinVar variation 1013917 (VCV001013917.6), dbSNP rs375557486, ClinGen allele CA2479583.